The following is an entry in ClinVar:

ClinVar aggregate classification (germline): Uncertain significance (1 of 4 stars; one submission).

gnomAD v4.1: 1 of 1,613,234 alleles (0.000062%); no homozygotes.

Submission:

Labcorp Genetics (formerly Invitae), Labcorp
Classification: Uncertain significance. Last evaluated: 2025-03-06. Review status: criteria provided, single submitter. Criteria: Invitae Variant Classification Sherloc (09022015). Collection method: clinical testing. Allele origin: germline.
Comment: This sequence change replaces valine, which is neutral and non-polar, with methionine, which is neutral and non-polar, at codon 541 of the TRAF3IP1 protein (p.Val541Met). This variant is not present in population databases (gnomAD no frequency). This variant has not been reported in the literature in individuals affected with TRAF3IP1-related conditions. Invitae Evidence Modeling of protein sequence and biophysical properties (such as structural, functional, and spatial information, amino acid conservation, physicochemical variation, residue mobility, and thermodynamic stability) indicates that this missense variant is expected to disrupt TRAF3IP1 protein function with a positive predictive value of 80%. In summary, the available evidence is currently insufficient to determine the role of this variant in disease. Therefore, it has been classified as a Variant of Uncertain Significance.

NM_015650.4(TRAF3IP1):c.1621G>A (p.Val541Met)

Gene: TRAF3IP1 (TRAF3 interacting protein 1; plus strand). Cytogenetic location: 2q37.3.
Variant type: single nucleotide variant.
Coding change: c.1621G>A on transcript NM_015650.4 (MANE Select); coding-DNA position 1621, G replaced by A.
Protein change: p.Val541Met; replaces valine 541 with methionine.
Molecular consequence: missense variant.
Genome position (GRCh38, 1-based): chr2:238,356,012, G>A. VCF-style: chr2-238356012-G-A. GRCh37 (hg19) VCF-style: chr2-239264653-G-A.
Other names: c.1423G>A, p.Val475Met (NM_001139490.1); short protein forms V475M, V541M.
Identifiers: ClinVar variation 4770441 (VCV004770441.1).
Genomic context (GRCh38, chr2:238,356,012, plus strand): 5'-TTTTTGGGATAGAGAATAAACTTTTAACATAAAATCACTGATTTTTCAACAGGTGGACTT[G>A]TGAAAAAAATTTTGGAGACGAAGAAAGATTATGAGAAATTGCAGCAGTCACCCAAACCTG-3'
Protein context (NP_056465.2, residues 531-551): LEEEEKHGGL[Val541Met]KKILETKKDY